The following is an entry in ClinVar:

NM_003803.4(MYOM1):c.2577dup (p.Arg860fs)

Gene: MYOM1 (myomesin 1; minus strand). Cytogenetic location: 18p11.31.
Variant type: Duplication.
Coding change: c.2577dup on transcript NM_003803.4 (MANE Select); coding-DNA position 2577, one base duplicated (G; older notation c.2577dupG).
Protein change: p.Arg860fs; shifts the reading frame from arginine 860.
Molecular consequence: frameshift variant. On other transcripts: intron variant (1).
Genome position (GRCh38, 1-based): chr18:3,129,449, C duplicated on the plus strand (G on the coding strand, the reverse complement: MYOM1 is on the minus strand); the first of 5 consecutive C bases (chr18:3,129,449-3,129,453); duplicating any one gives the same sequence. VCF-style (leftmost placement, unchanged base first): chr18-3129448-G-GC. GRCh37 (hg19) VCF-style: chr18-3129446-G-GC.
Other names: c.2506+1926dup (NM_019856.2); short protein forms R860fs.
Identifiers: ClinVar variation 1913299 (VCV001913299.5), dbSNP rs758381606, ClinGen allele CA8874576.

ClinVar aggregate classification (germline): Uncertain significance (1 of 4 stars; one submission).

Conditions:
Hypertrophic cardiomyopathy. Also called: HYPERTROPHIC MYOCARDIOPATHY. Identifiers: Orphanet 217569, MedGen C0007194, MeSH D002312, MONDO:0005045, HP:0001639.

Submission:

Labcorp Genetics (formerly Invitae), Labcorp
Classification: Uncertain significance for Hypertrophic cardiomyopathy. Last evaluated: 2025-02-05. Review status: criteria provided, single submitter. Criteria: Invitae Variant Classification Sherloc (09022015). Collection method: clinical testing. Allele origin: germline.
Comment: This sequence change creates a premature translational stop signal (p.Arg860Alafs*4) in the MYOM1 gene. It is expected to result in an absent or disrupted protein product. However, the current clinical and genetic evidence is not sufficient to establish whether loss-of-function variants in MYOM1 cause disease. This variant is present in population databases (rs758381606, gnomAD 0.09%), and has an allele count higher than expected for a pathogenic variant. This variant has not been reported in the literature in individuals affected with MYOM1-related conditions. ClinVar contains an entry for this variant (Variation ID: 1913299). Algorithms developed to predict the effect of sequence changes on RNA splicing suggest that this variant may disrupt the consensus splice site. In summary, the available evidence is currently insufficient to determine the role of this variant in disease. Therefore, it has been classified as a Variant of Uncertain Significance.